The following is an entry in ClinVar:

NM_003072.5(SMARCA4):c.4830G>A (p.Lys1610=)

Gene: SMARCA4 (SWI/SNF related BAF chromatin remodeling complex subunit ATPase 4; plus strand). Cytogenetic location: 19p13.2.
Variant type: single nucleotide variant.
Coding change: c.4830G>A on transcript NM_003072.5 (MANE Select); coding-DNA position 4830, G replaced by A.
Protein change: p.Lys1610=; no amino-acid change (lysine 1610 retained).
Molecular consequence: synonymous variant. On other transcripts: non-coding transcript variant (1).
Genome position (GRCh38, 1-based): chr19:11,060,106, G>A. VCF-style: chr19-11060106-G-A. GRCh37 (hg19) VCF-style: chr19-11170782-G-A.
Other names: c.4737G>A, p.Lys1579= (NM_001128846.2); c.4731G>A, p.Lys1577= (NM_001128847.4, NM_001374457.1); c.4728G>A, p.Lys1576= (NM_001128848.2); c.4926G>A, p.Lys1642= (NM_001128849.3, NM_001387283.1); c.4827G>A, p.Lys1609= (NM_001411150.1); c.4830G>A, p.Lys1610= (NM_001128844.3); c.4740G>A, p.Lys1580= (NM_001128845.2).
Identifiers: ClinVar variation 4170168 (VCV004170168.2).

ClinVar aggregate classification (germline): Conflicting classifications of pathogenicity. Review status: criteria provided, conflicting classifications (1 of 4 stars). 2 submissions from 2 submitters: Uncertain significance (1); Likely benign (1). Last evaluated 2025-08-03.

Conditions:
Hereditary cancer-predisposing syndrome. Also called: Neoplastic Syndromes, Hereditary; Tumor predisposition; Hereditary Cancer Syndrome; Hereditary neoplastic syndrome. Identifiers: Orphanet 140162, MedGen C0027672, MeSH D009386, MONDO:0015356.

Submissions (2):

Ambry Genetics
Classification: Likely benign for Hereditary cancer-predisposing syndrome. Last evaluated: 2025-08-03. Review status: criteria provided, single submitter. Criteria: Ambry Variant Classification Scheme 2023. Collection method: clinical testing. Allele origin: germline.

Quest Diagnostics Nichols Institute San Juan Capistrano
Classification: Uncertain significance. Last evaluated: 2025-03-06. Review status: criteria provided, single submitter. Criteria: Quest Diagnostics criteria. Collection method: clinical testing. Allele origin: unknown.
Comment: The SMARCA4 c.4926G>A (p.Lys1642=) synonymous variant has not been reported in individuals with SMARCA4-related conditions in the published literature. It also has not been reported in large, multi-ethnic general populations (Genome Aggregation Database). Analysis of this variant using software algorithms for the prediction of the effect of nucleotide changes on splicing yielded predictions that this variant does not affect SMARCA4 mRNA splicing. Based on the available information, we are unable to determine the clinical significance of this variant.